The following is an entry in ClinVar:

ClinVar aggregate classification (germline): Uncertain significance (1 of 4 stars; one submission).

Conditions:
Inborn genetic diseases. Identifiers: MedGen C0950123, MeSH D030342.

gnomAD v4.1: 2 of 1,613,806 alleles (0.00012%); highest among the groups gnomAD compares: Non-Finnish European, 0.00017%; no homozygotes.

Submission:

Ambry Genetics
Classification: Uncertain significance for Inborn genetic diseases. Last evaluated: 2025-09-01. Review status: criteria provided, single submitter. Criteria: Ambry Variant Classification Scheme 2023. Collection method: clinical testing. Allele origin: germline.
Comment: The p.H1309R variant (also known as c.3926A>G), located in coding exon 14 of the FANCM gene, results from an A to G substitution at nucleotide position 3926. The histidine at codon 1309 is replaced by arginine, an amino acid with highly similar properties. This amino acid position is conserved. In addition, this alteration is predicted to be tolerated by in silico analysis. Based on the available evidence, the clinical significance of this variant remains unclear.

NM_020937.4(FANCM):c.3926A>G (p.His1309Arg)

Gene: FANCM (FA complementation group M; plus strand). Cytogenetic location: 14q21.2.
Variant type: single nucleotide variant.
Coding change: c.3926A>G on transcript NM_020937.4 (MANE Select); coding-DNA position 3926, A replaced by G.
Protein change: p.His1309Arg; replaces histidine 1309 with arginine.
Molecular consequence: missense variant.
Genome position (GRCh38, 1-based): chr14:45,176,680, A>G. VCF-style: chr14-45176680-A-G. GRCh37 (hg19) VCF-style: chr14-45645883-A-G.
Other names: c.3848A>G, p.His1283Arg (NM_001308133.2); short protein forms H1283R, H1309R.
Identifiers: ClinVar variation 4254732 (VCV004254732.1).